The following is an entry in ClinVar:

ClinVar aggregate classification (germline): Likely benign. Review status: criteria provided, multiple submitters, no conflicts (2 of 4 stars). 2 submissions from 2 submitters: Likely benign (2). Last evaluated 2021-03-26.

Allele frequency attached by ClinVar (database versions not stated): gnomAD exomes below 0.00001 and 0.00002; ExAC 0.00001; TOPMed 0.00001.

Submissions (2):

Blueprint Genetics
Classification: Likely benign. Last evaluated: 2021-03-26. Review status: criteria provided, single submitter. Criteria: ACMG Guidelines, 2015. Collection method: clinical testing. Allele origin: germline.

GeneDx
Classification: Likely benign. Last evaluated: 2018-04-16. Review status: criteria provided, single submitter. Criteria: GeneDx Variant Classification (06012015). Collection method: clinical testing. Allele origin: germline. Affected: yes.
Comment: This variant is considered likely benign or benign based on one or more of the following criteria: it is a conservative change, it occurs at a poorly conserved position in the protein, it is predicted to be benign by multiple in silico algorithms, and/or has population frequency not consistent with disease.

NM_199069.2(NDUFAF3):c.78-14C>G

Genes: NDUFAF3 (NADH:ubiquinone oxidoreductase complex assembly factor 3; plus strand), LOC129936730 (ATAC-STARR-seq lymphoblastoid silent region 14350; plus strand). Cytogenetic location: 3p21.31.
Variant type: single nucleotide variant.
Coding change: c.78-14C>G on transcript NM_199069.2 (MANE Select); 14 bases into the intron before coding-DNA position 78, C replaced by G.
Molecular consequence: intron variant.
Genome position (GRCh38, 1-based): chr3:49,022,332, C>G. VCF-style: chr3-49022332-C-G. GRCh37 (hg19) VCF-style: chr3-49059765-C-G.
Other names: c.-94-14C>G (NM_199074.2, NM_199073.2, NM_199070.2).
Identifiers: ClinVar variation 681408 (VCV000681408.2), dbSNP rs759795967, ClinGen allele CA2390178.